The following is an entry in ClinVar:

NM_016180.5(SLC45A2):c.1253T>A (p.Phe418Tyr)

Gene: SLC45A2 (solute carrier family 45 member 2; minus strand). Cytogenetic location: 5p13.2.
Variant type: single nucleotide variant.
Coding change: c.1253T>A on transcript NM_016180.5 (MANE Select); coding-DNA position 1253, T replaced by A.
Protein change: p.Phe418Tyr; replaces phenylalanine 418 with tyrosine.
Molecular consequence: missense variant.
Genome position (GRCh38, 1-based): chr5:33,947,278, A>T on the plus strand (T>A on the coding strand, the complement: SLC45A2 is on the minus strand). VCF-style: chr5-33947278-A-T. GRCh37 (hg19) VCF-style: chr5-33947383-A-T.
Other names: c.1253T>A, p.Phe418Tyr (NM_001012509.4); short protein forms F418Y.
Identifiers: ClinVar variation 2127804 (VCV002127804.4), dbSNP rs1409305555, ClinGen allele CA359388667.

ClinVar aggregate classification (germline): Uncertain significance (1 of 4 stars; one submission).

Submission:

Labcorp Genetics (formerly Invitae), Labcorp
Classification: Uncertain significance. Last evaluated: 2022-04-18. Review status: criteria provided, single submitter. Criteria: Invitae Variant Classification Sherloc (09022015). Collection method: clinical testing. Allele origin: germline.
Comment: This variant has not been reported in the literature in individuals affected with SLC45A2-related conditions. In summary, the available evidence is currently insufficient to determine the role of this variant in disease. Therefore, it has been classified as a Variant of Uncertain Significance. Algorithms developed to predict the effect of missense changes on protein structure and function are either unavailable or do not agree on the potential impact of this missense change (SIFT: "Tolerated"; PolyPhen-2: "Probably Damaging"; Align-GVGD: "Class C0"). This variant is not present in population databases (gnomAD no frequency). This sequence change replaces phenylalanine, which is neutral and non-polar, with tyrosine, which is neutral and polar, at codon 418 of the SLC45A2 protein (p.Phe418Tyr).